The following is an entry in ClinVar:

NM_001111.5(ADAR):c.1592A>G (p.His531Arg)

Gene: ADAR (adenosine deaminase RNA specific; minus strand). Cytogenetic location: 1q21.3.
Variant type: single nucleotide variant.
Coding change: c.1592A>G on transcript NM_001111.5 (MANE Select); coding-DNA position 1592, A replaced by G.
Protein change: p.His531Arg; replaces histidine 531 with arginine.
Molecular consequence: missense variant.
Genome position (GRCh38, 1-based): chr1:154,601,050, T>C on the plus strand (A>G on the coding strand, the complement: ADAR is on the minus strand). VCF-style: chr1-154601050-T-C. GRCh37 (hg19) VCF-style: chr1-154573526-T-C.
Other names: c.707A>G, p.His236Arg (NM_001025107.3, NM_001365049.1, NM_001193495.2 and 3 more transcripts); c.1592A>G, p.His531Arg (NM_015840.4, NM_015841.4); c.1619A>G, p.His540Arg (NM_001365045.1); short protein forms H236R, H531R, H540R.
Identifiers: ClinVar variation 3756554 (VCV003756554.2).

ClinVar aggregate classification (germline): Uncertain significance (1 of 4 stars; one submission).

Conditions:
Symmetrical dyschromatosis of extremities (DSH). Also called: DYSCHROMATOSIS SYMMETRICA HEREDITARIA 1; RETICULATE ACROPIGMENTATION OF DOHI; SYMMETRIC DYSCHROMATOSIS OF THE EXTREMITIES; Dyschromatosis symmetrica hereditaria. Identifiers: Orphanet 41, MedGen C0406775, MONDO:0007483, OMIM 127400.
Aicardi-Goutieres syndrome 6 (AGS6). Identifiers: Orphanet 51, MedGen C3539013, MONDO:0014007, OMIM 615010.

gnomAD v4.1: 1 of 1,614,008 alleles (0.000062%); highest among the groups gnomAD compares: Non-Finnish European, 0.000085%; no homozygotes.

Submission:

Labcorp Genetics (formerly Invitae), Labcorp
Classification: Uncertain significance for Aicardi-Goutieres syndrome 6; Symmetrical dyschromatosis of extremities. Last evaluated: 2024-05-26. Review status: criteria provided, single submitter. Criteria: Invitae Variant Classification Sherloc (09022015). Collection method: clinical testing. Allele origin: germline.
Comment: This sequence change replaces histidine, which is basic and polar, with arginine, which is basic and polar, at codon 531 of the ADAR protein (p.His531Arg). This variant is not present in population databases (gnomAD no frequency). This variant has not been reported in the literature in individuals affected with ADAR-related conditions. Advanced modeling of protein sequence and biophysical properties (such as structural, functional, and spatial information, amino acid conservation, physicochemical variation, residue mobility, and thermodynamic stability) has been performed at Invitae for this missense variant, however the output from this modeling did not meet the statistical confidence thresholds required to predict the impact of this variant on ADAR protein function. In summary, the available evidence is currently insufficient to determine the role of this variant in disease. Therefore, it has been classified as a Variant of Uncertain Significance.